The following is an entry in ClinVar:

NM_005918.4(MDH2):c.857C>G (p.Thr286Ser)

Gene: MDH2 (malate dehydrogenase 2; plus strand). Cytogenetic location: 7q11.23.
Variant type: single nucleotide variant.
Coding change: c.857C>G on transcript NM_005918.4 (MANE Select); coding-DNA position 857, C replaced by G.
Protein change: p.Thr286Ser; replaces threonine 286 with serine.
Molecular consequence: missense variant.
Genome position (GRCh38, 1-based): chr7:76,064,925, C>G. VCF-style: chr7-76064925-C-G. GRCh37 (hg19) VCF-style: chr7-75694243-C-G.
Other names: c.731C>G, p.Thr244Ser (NM_001282403.2); c.536C>G, p.Thr179Ser (NM_001282404.2); short protein forms T244S, T286S, T179S.
Identifiers: ClinVar variation 3293821 (VCV003293821.1).
Genomic context (GRCh38, chr7:76,064,925, plus strand): 5'-TGAATGGAAAGGAAGGTGTTGTGGAATGTTCCTTCGTTAAGTCACAGGAAACGGAATGTA[C>G]CTACTTCTCCACACCGCTGCTGCTTGGGGTACGTATCCAGGCGTGGGTCCTTCTGACTGT-3'
Protein context (NP_005909.2, residues 276-296): SFVKSQETEC[Thr286Ser]YFSTPLLLGK

ClinVar aggregate classification (germline): Uncertain significance (1 of 4 stars; one submission).

Conditions:
Inborn genetic diseases. Identifiers: MedGen C0950123, MeSH D030342.

Submission:

Ambry Genetics
Classification: Uncertain significance for Inborn genetic diseases. Last evaluated: 2024-03-21. Review status: criteria provided, single submitter. Criteria: Ambry Variant Classification Scheme 2023. Collection method: clinical testing. Allele origin: germline.
Comment: The p.T286S variant (also known as c.857C>G), located in coding exon 8 of the MDH2 gene, results from a C to G substitution at nucleotide position 857. The threonine at codon 286 is replaced by serine, an amino acid with similar properties. This amino acid position is conserved. In addition, this alteration is predicted to be tolerated by in silico analysis. Based on the available evidence, the clinical significance of this alteration remains unclear.